The following is an entry in ClinVar:

NM_000256.3(MYBPC3):c.2932C>G (p.His978Asp)

Gene: MYBPC3 (myosin binding protein C3; minus strand). Cytogenetic location: 11p11.2.
Variant type: single nucleotide variant.
Coding change: c.2932C>G on transcript NM_000256.3 (MANE Select); coding-DNA position 2932, C replaced by G.
Protein change: p.His978Asp; replaces histidine 978 with aspartic acid.
Molecular consequence: missense variant.
Genome position (GRCh38, 1-based): chr11:47,333,984, G>C on the plus strand (C>G on the coding strand, the complement: MYBPC3 is on the minus strand). VCF-style: chr11-47333984-G-C. GRCh37 (hg19) VCF-style: chr11-47355535-G-C.
Other names: short protein forms H978D.
Identifiers: ClinVar variation 4756828 (VCV004756828.1).

ClinVar aggregate classification (germline): Uncertain significance (1 of 4 stars; one submission).

Conditions:
Cardiomyopathy (CMYO). Also called: Cardiomyopathies. Identifiers: Orphanet 167848, MedGen C0878544, MONDO:0004994, HP:0001638. Inheritance: Various modes of inheritance.

gnomAD v4.1: 1 of 1,583,982 alleles (0.000063%); highest among the groups gnomAD compares: Non-Finnish European, 0.000086%; no homozygotes.

Submission:

Color Diagnostics, LLC DBA Color Health
Classification: Uncertain significance for Cardiomyopathy. Last evaluated: 2025-06-09. Review status: criteria provided, single submitter. Criteria: ACMG Guidelines, 2015. Collection method: clinical testing. Allele origin: germline.
Comment: This missense variant replaces histidine with aspartic acid at codon 978 of the MYBPC3 protein. Computational prediction suggests that this variant may not impact protein structure and function. To our knowledge, functional studies have not been reported for this variant. This variant has not been reported in individuals affected with MYBPC3-related disorders in the literature. This variant has not been identified in the general population by the Genome Aggregation Database (gnomAD). The available evidence is insufficient to determine the role of this variant in disease conclusively. Therefore, this variant is classified as a Variant of Uncertain Significance.